The following is an entry in ClinVar:

ClinVar aggregate classification (germline): Benign (0 of 4 stars; one submission).

Conditions:
ARFGEF3-related disorder. Also called: ARFGEF3-related condition.

Allele frequency attached by ClinVar (database versions not stated): gnomAD exomes 0.00028; ExAC 0.00094; gnomAD 0.00241; TOPMed 0.00275; ESP Exome Variant Server 0.00284; 1000 Genomes Project 30x 0.00297; 1000 Genomes Project 0.00319.
gnomAD v4.1: 825 of 1,613,692 alleles (0.051%); highest among the groups gnomAD compares: African/African-American, 0.89%; 3 homozygotes.

Submission:

PreventionGenetics, part of Exact Sciences
Classification: Benign for ARFGEF3-related condition. Last evaluated: 2019-07-12. Review status: no assertion criteria provided. Collection method: clinical testing. Allele origin: germline.
Comment: This variant is classified as benign based on ACMG/AMP sequence variant interpretation guidelines (Richards et al. 2015 PMID: 25741868, with internal and published modifications).

NM_020340.5(ARFGEF3):c.5730A>G (p.Glu1910=)

Gene: ARFGEF3 (ARFGEF family member 3; plus strand). Cytogenetic location: 6q24.1.
Variant type: single nucleotide variant.
Coding change: c.5730A>G on transcript NM_020340.5 (MANE Select); coding-DNA position 5730, A replaced by G.
Protein change: p.Glu1910=; no amino-acid change (glutamic acid 1910 retained).
Molecular consequence: synonymous variant.
Genome position (GRCh38, 1-based): chr6:138,334,576, A>G. VCF-style: chr6-138334576-A-G. GRCh37 (hg19) VCF-style: chr6-138655713-A-G.
Identifiers: ClinVar variation 3049539 (VCV003049539.2), dbSNP rs34683139, ClinGen allele CA4021660.